The following is an entry in ClinVar:

ClinVar aggregate classification (germline): Uncertain significance. Review status: criteria provided, multiple submitters, no conflicts (2 of 4 stars). 4 submissions from 4 submitters: Uncertain significance (3). 1 of the submissions does not count toward it. Last evaluated 2024-10-07.

Conditions:
Cone-rod dystrophy 6 (CORD6). Also called: RETINAL CONE DYSTROPHY 2; Cone dystrophy progressive. Identifiers: Orphanet 1872, MedGen C1866293, MONDO:0011143, OMIM 601777.
Leber congenital amaurosis 1 (LCA1). Also called: RETINAL BLINDNESS, CONGENITAL; AMAUROSIS CONGENITA OF LEBER I; Congenital absence of the rods and cones; Leber's congenital tapetoretinal degeneration; Leber's congenital tapetoretinal dysplasia. Identifiers: Orphanet 65, MedGen C2931258, MONDO:0008764, OMIM 204000.
Retinal dystrophy. Also called: Inherited retinal dystrophy. Identifiers: Orphanet 71862, MedGen C0854723, MeSH D058499, MONDO:0019118, HP:0000556.
Inborn genetic diseases. Identifiers: MedGen C0950123, MeSH D030342.

gnomAD v4.1: 43 of 1,580,690 alleles (0.0027%); highest among the groups gnomAD compares: Non-Finnish European, 0.0034%; no homozygotes.

Submissions (4):

Blueprint Genetics
Classification: Uncertain significance. Last evaluated: 2024-10-07. Review status: criteria provided, single submitter. Criteria: ACMG Guidelines, 2015. Collection method: clinical testing. Allele origin: germline.

Ambry Genetics
Classification: Uncertain significance for Inborn genetic diseases. Last evaluated: 2022-09-06. Review status: criteria provided, single submitter. Criteria: Ambry Variant Classification Scheme 2023. Collection method: clinical testing. Allele origin: germline.

Labcorp Genetics (formerly Invitae), Labcorp
Classification: Uncertain significance for Leber congenital amaurosis 1; Cone-rod dystrophy 6. Last evaluated: 2021-12-21. Review status: criteria provided, single submitter. Criteria: Invitae Variant Classification Sherloc (09022015). Collection method: clinical testing. Allele origin: germline.
Comment: This sequence change replaces glutamic acid, which is acidic and polar, with glutamine, which is neutral and polar, at codon 1089 of the GUCY2D protein (p.Glu1089Gln). This variant is present in population databases (no rsID available, gnomAD 0.004%). This variant has not been reported in the literature in individuals affected with GUCY2D-related conditions. Algorithms developed to predict the effect of missense changes on protein structure and function are either unavailable or do not agree on the potential impact of this missense change (SIFT: "Deleterious"; PolyPhen-2: "Possibly Damaging"; Align-GVGD: "Class C0"). In summary, the available evidence is currently insufficient to determine the role of this variant in disease. Therefore, it has been classified as a Variant of Uncertain Significance.

Institute of Human Genetics, Univ. Regensburg, Univ. Regensburg
Classification: Uncertain significance for Retinal dystrophy. Last evaluated: 2023-01-01. Review status: no assertion criteria provided. Criteria: ACMG Guidelines, 2015. Collection method: clinical testing. Allele origin: germline. Affected: yes. Not counted in ClinVar's aggregate classification.

NM_000180.4(GUCY2D):c.3265G>C (p.Glu1089Gln)

Gene: GUCY2D (guanylate cyclase 2D, retinal; plus strand). Cytogenetic location: 17p13.1.
Variant type: single nucleotide variant.
Coding change: c.3265G>C on transcript NM_000180.4 (MANE Select); coding-DNA position 3265, G replaced by C.
Protein change: p.Glu1089Gln; replaces glutamic acid 1089 with glutamine.
Molecular consequence: missense variant.
Genome position (GRCh38, 1-based): chr17:8,016,483, G>C. VCF-style: chr17-8016483-G-C. GRCh37 (hg19) VCF-style: chr17-7919801-G-C.
Other names: short protein forms E1089Q.
Identifiers: ClinVar variation 1979333 (VCV001979333.4), dbSNP rs779735498, ClinGen allele CA397956401.